The following is an entry in ClinVar:

ClinVar aggregate classification (germline): Pathogenic. Review status: reviewed by expert panel (3 of 4 stars). 4 submissions from 4 submitters: Pathogenic (1). 3 of the submissions do not count toward it. Last evaluated 2017-12-15.

Conditions:
Hereditary cancer-predisposing syndrome. Also called: Hereditary neoplastic syndrome; Hereditary Cancer Syndrome; Neoplastic Syndromes, Hereditary; Tumor predisposition. Identifiers: Orphanet 140162, MedGen C0027672, MeSH D009386, MONDO:0015356.
Breast-ovarian cancer, familial, susceptibility to, 2 (BROVCA2). Also called: BRCA2 Hereditary Breast and Ovarian Cancer. Identifiers: Orphanet 145, MedGen C2675520, MONDO:0012933, OMIM 612555. Disease mechanism: loss of function.
Hereditary breast ovarian cancer syndrome. Also called: Hereditary breast and ovarian cancer syndrome; BRCA1- and BRCA2-Associated Hereditary Breast and Ovarian Cancer; Hereditary breast and/or ovarian cancer syndrome; Hereditary breast and ovarian cancer; Breast and ovarian cancer; Hereditary breast and ovarian cancer syndrome (HBOC). Identifiers: Orphanet 145, MedGen C0677776, MeSH D061325, MONDO:0003582. Disease mechanism: loss of function.

Submissions (4):

Evidence-based Network for the Interpretation of Germline Mutant Alleles (ENIGMA)
Classification: Pathogenic for Breast-ovarian cancer, familial, susceptibility to, 2. Last evaluated: 2017-12-15. Review status: reviewed by expert panel. Criteria: ENIGMA BRCA1/2 Classification Criteria (2017-06-29). Collection method: curation. Allele origin: germline. Study: ENIGMA.
Comment: Variant allele predicted to encode a truncated non-functional protein.

Ambry Genetics
Classification: Pathogenic for Hereditary cancer-predisposing syndrome. Last evaluated: 2024-04-05. Review status: criteria provided, single submitter. Criteria: Ambry Variant Classification Scheme 2023. Collection method: clinical testing. Allele origin: germline. Not counted in ClinVar's aggregate classification.
Comment: The c.9633dupA pathogenic mutation, located in coding exon 25 of the BRCA2 gene, results from a duplication of A at nucleotide position 9633, causing a translational frameshift with a predicted alternate stop codon (p.G3212Rfs*10). This alteration occurs at the 3' terminus of theBRCA2 gene, is not expected to trigger nonsense-mediated mRNA decay, and impacts the last 207 amino acids of the protein. However, premature stop codons are typically deleterious in nature and the impacted region is critical for protein function (Ambry internal data). Based on the supporting evidence, this variant is interpreted as a disease-causing mutation.

Labcorp Genetics (formerly Invitae), Labcorp
Classification: Pathogenic for Hereditary breast ovarian cancer syndrome. Last evaluated: 2019-02-06. Review status: criteria provided, single submitter. Criteria: Invitae Variant Classification Sherloc (09022015). Collection method: clinical testing. Allele origin: germline. Not counted in ClinVar's aggregate classification.
Comment: For these reasons, this variant has been classified as Pathogenic. This variant disrupts the C-terminus of the BRCA2 protein. Other variant(s) that disrupt this region (p.Tyr3308*) have been determined to be pathogenic (PMID: 17026620, 18593900, 18607349, 22711857). This suggests that variants that disrupt this region of the protein are likely to be causative of disease. This variant has not been reported in the literature in individuals with BRCA2-related conditions. ClinVar contains an entry for this variant (Variation ID: 421372). This variant is not present in population databases (ExAC no frequency). This sequence change results in a premature translational stop signal in the BRCA2 gene (p.Gly3212Argfs*10). While this is not anticipated to result in nonsense mediated decay, it is expected to disrupt the last 207 amino acids of the BRCA2 protein.

GeneDx
Classification: Likely pathogenic. Last evaluated: 2016-06-06. Review status: criteria provided, single submitter. Criteria: GeneDx Variant Classification (06012015). Collection method: clinical testing. Allele origin: germline. Affected: yes. Not counted in ClinVar's aggregate classification.
Comment: This duplication of one nucleotide in BRCA2 is denoted c.9633dupA at the cDNA level and p.Gly3212ArgfsX10 (G3212RfsX10) at the protein level. The normal sequence, with the base that is duplicated in braces, is GTAC[A]GGAA. The duplication causes a frameshift which changes a Glycine to an Arginine at codon 3212, and creates a premature stop codon at position 10 of the new reading frame. While this variant is not expected to lead to nonsense-mediated decay, it is predicted to cause loss of normal protein function through protein truncation. BRCA2 c.9633dupA is expected to result in the loss of the nuclear localization signals 1 and 2 (NLS1/NLS2) and the Cyclin A and RAD51 binding domains (Esashi 2005, Borg 2010, Roy 2012). Using alternate nomenclature, this variant would be defined as BRCA2 9861dupA. This duplication has not, to our knowledge, been reported in the literature. Based on the currently available evidence, we consider BRCA2 c.9633dupA to be a likely pathogenic variant.

Literature cited by the submitters: PubMed 17026620 (cited by Labcorp Genetics (formerly Invitae), Labcorp); PubMed 18593900 (cited by Labcorp Genetics (formerly Invitae), Labcorp); PubMed 18607349 (cited by Labcorp Genetics (formerly Invitae), Labcorp); PubMed 22711857 (cited by Labcorp Genetics (formerly Invitae), Labcorp).

NM_000059.4(BRCA2):c.9633dup (p.Gly3212fs)

Gene: BRCA2 (BRCA2 DNA repair associated; plus strand). Cytogenetic location: 13q13.1.
Variant type: Duplication.
Coding change: c.9633dup on transcript NM_000059.4 (MANE Select); coding-DNA position 9633, one base duplicated (A; older notation c.9633dupA).
Protein change: p.Gly3212fs; shifts the reading frame from glycine 3212.
Molecular consequence: frameshift variant.
Genome position (GRCh38, 1-based): chr13:32,397,029, A duplicated. VCF-style (leftmost placement, unchanged base first): chr13-32397028-C-CA. GRCh37 (hg19) VCF-style: chr13-32971165-C-CA.
Other names: c.9633dupA (NM_000059.3); short protein forms G3212fs.
Identifiers: ClinVar variation 421372 (VCV000421372.11), dbSNP rs1555289805, ClinGen allele CA16619794.